The following is an entry in ClinVar:

ClinVar aggregate classification (germline): Uncertain significance (1 of 4 stars; one submission).

Conditions:
Alstrom syndrome (ALMS). Identifiers: Orphanet 64, MedGen C0268425, MONDO:0008763, OMIM 203800.

Allele frequency attached by ClinVar (database versions not stated): gnomAD exomes below 0.00001.
gnomAD v4.1: 1 of 1,614,034 alleles (0.000062%); highest among the groups gnomAD compares: East Asian, 0.0022%; no homozygotes.

Submissions (2):

Labcorp Genetics (formerly Invitae), Labcorp
Classification: Uncertain significance for Alstrom syndrome. Last evaluated: 2024-04-22. Review status: criteria provided, single submitter. Criteria: Invitae Variant Classification Sherloc (09022015). Collection method: clinical testing. Allele origin: germline.
Comment: This sequence change affects codon 3406 of the ALMS1 mRNA. It is a 'silent' change, meaning that it does not change the encoded amino acid sequence of the ALMS1 protein. This variant also falls at the last nucleotide of exon 14, which is part of the consensus splice site for this exon. This variant is not present in population databases (gnomAD no frequency). This variant has not been reported in the literature in individuals affected with ALMS1-related conditions. ClinVar contains an entry for this variant (Variation ID: 1986113). Experimental studies and prediction algorithms are not available or were not evaluated, and the functional significance of this variant is currently unknown. Variants that disrupt the consensus splice site are a relatively common cause of aberrant splicing (PMID: 17576681, 9536098). Algorithms developed to predict the effect of sequence changes on RNA splicing suggest that this variant may disrupt the consensus splice site. In summary, the available evidence is currently insufficient to determine the role of this variant in disease. Therefore, it has been classified as a Variant of Uncertain Significance.

Dr. Peter K. Rogan Lab, Western University
No classification provided (evidence only). Condition: Familial cancer of breast. Review status: no classification provided. Collection method: in vitro. Allele origin: not applicable. Functional consequence: skipped exon, retained intron. Not counted in ClinVar's aggregate classification.

Literature cited by the submitters: PubMed 17576681 (cited by Labcorp Genetics (formerly Invitae), Labcorp); PubMed 9536098 (cited by Labcorp Genetics (formerly Invitae), Labcorp).

NM_001378454.1(ALMS1):c.10213G>A (p.Asp3405Asn)

Gene: ALMS1 (ALMS1 centrosome and basal body associated protein; plus strand). Cytogenetic location: 2p13.1.
Variant type: single nucleotide variant.
Coding change: c.10213G>A on transcript NM_001378454.1 (MANE Select); coding-DNA position 10213, G replaced by A.
Protein change: p.Asp3405Asn; replaces aspartic acid 3405 with asparagine.
Molecular consequence: missense variant.
Genome position (GRCh38, 1-based): chr2:73,557,354, G>A. VCF-style: chr2-73557354-G-A. GRCh37 (hg19) VCF-style: chr2-73784481-G-A.
Other names: c.10216G>A, p.Asp3406Asn (NM_015120.4); short protein forms D3406N, D3405N.
Identifiers: ClinVar variation 1986113 (VCV001986113.4), dbSNP rs2104058482, ClinGen allele CA347276905.